The following is an entry in ClinVar:

NM_006059.4(LAMC3):c.4478G>A (p.Gly1493Glu)

Gene: LAMC3 (laminin subunit gamma 3; plus strand). Cytogenetic location: 9q34.12.
Variant type: single nucleotide variant.
Coding change: c.4478G>A on transcript NM_006059.4 (MANE Select); coding-DNA position 4478, G replaced by A.
Protein change: p.Gly1493Glu; replaces glycine 1493 with glutamic acid.
Molecular consequence: missense variant.
Genome position (GRCh38, 1-based): chr9:131,091,537, G>A. VCF-style: chr9-131091537-G-A. GRCh37 (hg19) VCF-style: chr9-133966924-G-A.
Other names: short protein forms G1493E.
Identifiers: ClinVar variation 2012582 (VCV002012582.1), dbSNP rs1363768527, ClinGen allele CA375266741.
Genomic context (GRCh38, chr9:131,091,537, plus strand): 5'-GGTGCCCTGGGGCCTGCAGGGCTGCTGGCTCACAGTGAGGCTGTTTGTGCCCCACCACAG[G>A]GTCGCTGGACACCCATCAAGCCCCAGCCCAGGCCCTGAACGAGACTCAGTGGGCACTAGA-3'
Protein context (NP_006050.3, residues 1483-1503): ETLSELLARL[Gly1493Glu]SLDTHQAPAQ

ClinVar aggregate classification (germline): Uncertain significance (1 of 4 stars; one submission).

gnomAD v4.1: 1 of 1,578,296 alleles (0.000063%); highest among the groups gnomAD compares: Non-Finnish European, 0.000086%; no homozygotes.

Submission:

Labcorp Genetics (formerly Invitae), Labcorp
Classification: Uncertain significance. Last evaluated: 2022-06-30. Review status: criteria provided, single submitter. Criteria: Invitae Variant Classification Sherloc (09022015). Collection method: clinical testing. Allele origin: germline.
Comment: This sequence change replaces glycine, which is neutral and non-polar, with glutamic acid, which is acidic and polar, at codon 1493 of the LAMC3 protein (p.Gly1493Glu). This variant is not present in population databases (gnomAD no frequency). This variant has not been reported in the literature in individuals affected with LAMC3-related conditions. Algorithms developed to predict the effect of missense changes on protein structure and function output the following: SIFT: "Tolerated"; PolyPhen-2: "Benign"; Align-GVGD: "Class C0". The glutamic acid amino acid residue is found in multiple mammalian species, which suggests that this missense change does not adversely affect protein function. In summary, the available evidence is currently insufficient to determine the role of this variant in disease. Therefore, it has been classified as a Variant of Uncertain Significance.